The following is an entry in ClinVar:

ClinVar aggregate classification (germline): Pathogenic (1 of 4 stars; one submission).

Submission:

Labcorp Genetics (formerly Invitae), Labcorp
Classification: Pathogenic. Last evaluated: 2024-08-31. Review status: criteria provided, single submitter. Criteria: Invitae Variant Classification Sherloc (09022015). Collection method: clinical testing. Allele origin: germline.
Comment: This sequence change creates a premature translational stop signal (p.Lys530*) in the NEXMIF gene. It is expected to result in an absent or disrupted protein product. Loss-of-function variants in NEXMIF are known to be pathogenic (PMID: 23615299). This variant is not present in population databases (gnomAD no frequency). This variant has not been reported in the literature in individuals affected with NEXMIF-related conditions. For these reasons, this variant has been classified as Pathogenic.

Literature cited by the submitters: PubMed 23615299.

NM_001008537.3(NEXMIF):c.1588A>T (p.Lys530Ter)

Gene: NEXMIF (neurite extension and migration factor; minus strand). Cytogenetic location: Xq13.3.
Variant type: single nucleotide variant.
Coding change: c.1588A>T on transcript NM_001008537.3 (MANE Select); coding-DNA position 1588, A replaced by T.
Protein change: p.Lys530Ter; replaces lysine 530 with a stop codon.
Molecular consequence: nonsense.
Genome position (GRCh38, 1-based): chrX:74,742,969, T>A on the plus strand (A>T on the coding strand, the complement: NEXMIF is on the minus strand). VCF-style: chrX-74742969-T-A. GRCh37 (hg19) VCF-style: chrX-73962804-T-A.
Other names: short protein forms K530*.
Identifiers: ClinVar variation 2843928 (VCV002843928.3), dbSNP rs2080112480, ClinGen allele CA413670153.